The following is an entry in ClinVar:

NM_014324.6(AMACR):c.439C>T (p.Leu147=)

Genes: AMACR (alpha-methylacyl-CoA racemase; minus strand), C1QTNF3-AMACR (C1QTNF3-AMACR readthrough (NMD candidate); minus strand). Cytogenetic location: 5p13.2.
Variant type: single nucleotide variant.
Coding change: c.439C>T on transcript NM_014324.6 (MANE Select); coding-DNA position 439, C replaced by T.
Protein change: p.Leu147=; no amino-acid change (leucine 147 retained).
Molecular consequence: synonymous variant. On other transcripts: intron variant (1).
Genome position (GRCh38, 1-based): chr5:34,004,687, G>A on the plus strand (C>T on the coding strand, the complement: AMACR is on the minus strand). VCF-style: chr5-34004687-G-A. GRCh37 (hg19) VCF-style: chr5-34004792-G-A.
Other names: c.439C>T, p.Leu147= (NM_001167595.2); c.391+1069C>T (NM_203382.3).
Identifiers: ClinVar variation 4705605 (VCV004705605.5).

ClinVar aggregate classification (germline): Conflicting classifications of pathogenicity. Review status: criteria provided, conflicting classifications (1 of 4 stars). 2 submissions from 2 submitters: Uncertain significance (1); Likely benign (1). Last evaluated 2026-02-01.

Conditions:
Alpha-methylacyl-CoA racemase deficiency (AMACRD). Also called: AMACR deficiency. Identifiers: Orphanet 79095, MedGen C3280428, MONDO:0013681, OMIM 614307. Disease mechanism: loss of function.

gnomAD v4.1: 12 of 1,614,212 alleles (0.00074%); highest among the groups gnomAD compares: South Asian, 0.013%; no homozygotes.

Submissions (2):

CeGaT Center for Human Genetics Tuebingen
Classification: Uncertain significance. Last evaluated: 2026-02-01. Review status: criteria provided, single submitter. Criteria: CeGaT Center For Human Genetics Tuebingen Variant Classification Criteria Version 2. Collection method: clinical testing. Allele origin: germline. Affected: yes. Observed: 1 variant allele.
Comment: AMACR: PM2, BP4

Labcorp Genetics (formerly Invitae), Labcorp
Classification: Likely benign for Alpha-methylacyl-CoA racemase deficiency. Last evaluated: 2025-11-26. Review status: criteria provided, single submitter. Criteria: Invitae Variant Classification Sherloc (09022015). Collection method: clinical testing. Allele origin: germline.